The following is an entry in ClinVar:

NM_001378454.1(ALMS1):c.6848T>G (p.Leu2283Arg)

Gene: ALMS1 (ALMS1 centrosome and basal body associated protein; plus strand). Cytogenetic location: 2p13.1.
Variant type: single nucleotide variant.
Coding change: c.6848T>G on transcript NM_001378454.1 (MANE Select); coding-DNA position 6848, T replaced by G.
Protein change: p.Leu2283Arg; replaces leucine 2283 with arginine.
Molecular consequence: missense variant.
Genome position (GRCh38, 1-based): chr2:73,453,375, T>G. VCF-style: chr2-73453375-T-G. GRCh37 (hg19) VCF-style: chr2-73680502-T-G.
Other names: c.6851T>G, p.Leu2284Arg (NM_015120.4); short protein forms L2283R, L2284R.
Identifiers: ClinVar variation 1524795 (VCV001524795.4), dbSNP rs1442336894, ClinGen allele CA347289674.

ClinVar aggregate classification (germline): Uncertain significance. Review status: criteria provided, multiple submitters, no conflicts (2 of 4 stars). 2 submissions from 2 submitters: Uncertain significance (2). Last evaluated 2022-07-12.

Conditions:
Alstrom syndrome (ALMS). Identifiers: Orphanet 64, MedGen C0268425, MONDO:0008763, OMIM 203800.

Allele frequency attached by ClinVar (database versions not stated): gnomAD exomes below 0.00001.
gnomAD v4.1: 1 of 1,613,924 alleles (0.000062%); highest among the groups gnomAD compares: Admixed American, 0.0017%; no homozygotes.

Submissions (2):

Labcorp Genetics (formerly Invitae), Labcorp
Classification: Uncertain significance for Alstrom syndrome. Last evaluated: 2022-07-12. Review status: criteria provided, single submitter. Criteria: Invitae Variant Classification Sherloc (09022015). Collection method: clinical testing. Allele origin: germline.
Comment: This sequence change replaces leucine with arginine at codon 2284 of the ALMS1 protein (p.Leu2284Arg). The leucine residue is moderately conserved and there is a moderate physicochemical difference between leucine and arginine. This variant is present in population databases (no rsID available, gnomAD 0.003%). This variant has not been reported in the literature in individuals affected with ALMS1-related conditions. ClinVar contains an entry for this variant (Variation ID: 1524795). Experimental studies and prediction algorithms are not available or were not evaluated, and the functional significance of this variant is currently unknown. In summary, the available evidence is currently insufficient to determine the role of this variant in disease. Therefore, it has been classified as a Variant of Uncertain Significance.

Fulgent Genetics
Classification: Uncertain significance for Alstrom syndrome. Last evaluated: 2022-01-28. Review status: criteria provided, single submitter. Criteria: ACMG Guidelines, 2015. Collection method: clinical testing. Allele origin: unknown.